The following is an entry in ClinVar:

NM_001854.4(COL11A1):c.500T>C (p.Val167Ala)

Gene: COL11A1 (collagen type XI alpha 1 chain; minus strand). Cytogenetic location: 1p21.1.
Variant type: single nucleotide variant.
Coding change: c.500T>C on transcript NM_001854.4 (MANE Select); coding-DNA position 500, T replaced by C.
Protein change: p.Val167Ala; replaces valine 167 with alanine.
Molecular consequence: missense variant. On other transcripts: non-coding transcript variant (1).
Genome position (GRCh38, 1-based): chr1:103,074,769, A>G on the plus strand (T>C on the coding strand, the complement: COL11A1 is on the minus strand). VCF-style: chr1-103074769-A-G. GRCh37 (hg19) VCF-style: chr1-103540325-A-G.
Other names: c.500T>C, p.Val167Ala (NM_001190709.2, NM_080629.3, NM_080630.4); short protein forms V167A.
Identifiers: ClinVar variation 4799914 (VCV004799914.1).
Genomic context (GRCh38, chr1:103,074,769, plus strand): 5'-GTGGTTTTCTTCTTACAATCAACAATCATTGTCACAGTTTTCTTCTCCACGCTGATTGCT[A>G]CCCGATGCCACCTAAAAAAGACAAGTAATTCTTTTGTAAGCTTCAAAGAAACAGTGGTTG-3'
Protein context (NP_001845.3, residues 157-177): VNIADGKWHR[Val167Ala]AISVEKKTVT

ClinVar aggregate classification (germline): Uncertain significance (1 of 4 stars; one submission).

gnomAD v4.1: 9 of 1,613,190 alleles (0.00056%); highest among the groups gnomAD compares: Non-Finnish European, 0.00076%; no homozygotes.

Submission:

Labcorp Genetics (formerly Invitae), Labcorp
Classification: Uncertain significance. Last evaluated: 2025-11-27. Review status: criteria provided, single submitter. Criteria: Invitae Variant Classification Sherloc (09022015). Collection method: clinical testing. Allele origin: germline.
Comment: This sequence change replaces valine, which is neutral and non-polar, with alanine, which is neutral and non-polar, at codon 167 of the COL11A1 protein (p.Val167Ala). This variant is not present in population databases (gnomAD no frequency). This variant has not been reported in the literature in individuals affected with COL11A1-related conditions. Invitae Evidence Modeling of protein sequence and biophysical properties (such as structural, functional, and spatial information, amino acid conservation, physicochemical variation, residue mobility, and thermodynamic stability) indicates that this missense variant is not expected to disrupt COL11A1 protein function with a negative predictive value of 95%. In summary, the available evidence is currently insufficient to determine the role of this variant in disease. Therefore, it has been classified as a Variant of Uncertain Significance.